The following is an entry in ClinVar:

ClinVar aggregate classification (germline): Benign/Likely benign. Review status: criteria provided, multiple submitters, no conflicts (2 of 4 stars). 5 submissions from 5 submitters: Benign (4); Likely benign (1). Last evaluated 2026-01-26.

Conditions:
Inborn genetic diseases. Identifiers: MedGen C0950123, MeSH D030342.
Spastic paraplegia. Identifiers: MedGen C0037772, HP:0001258.

Allele frequency attached by ClinVar (database versions not stated): gnomAD exomes 0.00085 and 0.00254; ExAC 0.00318; gnomAD 0.00809 and 0.00847; TOPMed 0.00917; 1000 Genomes Project 0.00927; 1000 Genomes Project 30x 0.00957; ESP Exome Variant Server 0.01136.
gnomAD v4.1: 1,898 of 1,210,494 alleles (0.16%); highest among the groups gnomAD compares: African/African-American, 2.9%; 30 homozygotes.

Submissions (5):

Labcorp Genetics (formerly Invitae), Labcorp
Classification: Benign for Spastic paraplegia. Last evaluated: 2026-01-26. Review status: criteria provided, single submitter. Criteria: Invitae Variant Classification Sherloc (09022015). Collection method: clinical testing. Allele origin: germline.

Mayo Clinic Laboratories, Mayo Clinic
Classification: Benign. Last evaluated: 2023-11-06. Review status: criteria provided, single submitter. Criteria: ACMG Guidelines, 2015. Collection method: clinical testing. Allele origin: germline. Observed: 10 variant alleles.
Comment: BA1, BP4, BP7

GeneDx
Classification: Likely benign. Last evaluated: 2020-12-30. Review status: criteria provided, single submitter. Criteria: GeneDx Variant Classification Process June 2021. Collection method: clinical testing. Allele origin: germline. Affected: yes.

Ambry Genetics
Classification: Benign for Inborn genetic diseases. Last evaluated: 2017-06-26. Review status: criteria provided, single submitter. Criteria: Ambry Variant Classification Scheme 2023. Collection method: clinical testing. Allele origin: germline.

Genetic Services Laboratory, University of Chicago
Classification: Benign for AllHighlyPenetrant. Last evaluated: 2013-07-08. Review status: criteria provided, single submitter. Criteria: ACMG Guidelines, 2007. Collection method: clinical testing. Allele origin: germline. Inheritance: X-linked inheritance.

Literature cited by the submitters: PubMed 24583395 (cited by Mayo Clinic Laboratories, Mayo Clinic).

NM_004187.5(KDM5C):c.1884G>A (p.Gln628=)

Gene: KDM5C (lysine demethylase 5C; minus strand). Cytogenetic location: Xp11.22.
Variant type: single nucleotide variant.
Coding change: c.1884G>A on transcript NM_004187.5 (MANE Select); coding-DNA position 1884, G replaced by A.
Protein change: p.Gln628=; no amino-acid change (glutamine 628 retained).
Molecular consequence: synonymous variant. On other transcripts: non-coding transcript variant (3).
Genome position (GRCh38, 1-based): chrX:53,201,727, C>T on the plus strand (G>A on the coding strand, the complement: KDM5C is on the minus strand). VCF-style: chrX-53201727-C-T. GRCh37 (hg19) VCF-style: chrX-53230909-C-T.
Other names: p.Gln628=; c.1683G>A, p.Gln561= (NM_001146702.2); c.1881G>A, p.Gln627= (NM_001282622.3, NM_001353979.2, NM_001353982.2); c.1884G>A, p.Gln628= (NM_001353978.3, NM_001353981.2, NM_001353984.2); c.1884G>A (NM_004187.4).
Identifiers: ClinVar variation 129375 (VCV000129375.22), dbSNP rs74850270, ClinGen allele CA153330.
Genomic context (GRCh38, chrX:53,201,727, plus strand): 5'-GATAAGCTCCTCATGGGAGAAGACGCAGTATCTCCGGAGCCGGCGGTAGTGCTCAATGCA[C>T]TGGCGCCCAGCAGGCAACTGTGGGCAGGTTCAAGGTTGAGTGTGGCCAAGTCTGGAGGCC-3'
Protein context (NP_004178.2, residues 618-638): CTADWLPAGR[Gln628=]CIEHYRRLRR